The following is an entry in ClinVar:

ClinVar aggregate classification (germline): Uncertain significance (1 of 4 stars; one submission).

Conditions:
Axenfeld-Rieger syndrome type 3 (RIEG3). Also called: AXENFELD-RIEGER ANOMALY WITH CARDIAC DEFECTS AND/OR SENSORINEURAL HEARING LOSS. Identifiers: Orphanet 782, MedGen C2678503, MONDO:0011233, OMIM 602482.

Allele frequency attached by ClinVar (database versions not stated): gnomAD exomes 0.00001.

Submission:

Labcorp Genetics (formerly Invitae), Labcorp
Classification: Uncertain significance for Axenfeld-Rieger syndrome type 3. Last evaluated: 2024-03-04. Review status: criteria provided, single submitter. Criteria: Invitae Variant Classification Sherloc (09022015). Collection method: clinical testing. Allele origin: germline.
Comment: This sequence change replaces histidine, which is basic and polar, with arginine, which is basic and polar, at codon 394 of the FOXC1 protein (p.His394Arg). The frequency data for this variant in the population databases is considered unreliable, as metrics indicate insufficient coverage at this position in the gnomAD database. This variant has not been reported in the literature in individuals affected with FOXC1-related conditions. An algorithm developed to predict the effect of missense changes on protein structure and function (PolyPhen-2) suggests that this variant is likely to be disruptive. In summary, the available evidence is currently insufficient to determine the role of this variant in disease. Therefore, it has been classified as a Variant of Uncertain Significance.

NM_001453.3(FOXC1):c.1181A>G (p.His394Arg)

Gene: FOXC1 (forkhead box C1; plus strand). Cytogenetic location: 6p25.3.
Variant type: single nucleotide variant.
Coding change: c.1181A>G on transcript NM_001453.3 (MANE Select); coding-DNA position 1181, A replaced by G.
Protein change: p.His394Arg; replaces histidine 394 with arginine.
Molecular consequence: missense variant.
Genome position (GRCh38, 1-based): chr6:1,611,626, A>G. VCF-style: chr6-1611626-A-G. GRCh37 (hg19) VCF-style: chr6-1611861-A-G.
Other names: short protein forms H394R.
Identifiers: ClinVar variation 2804834 (VCV002804834.3), dbSNP rs2480506077, ClinGen allele CA362560381.